The following is an entry in ClinVar:

NM_002055.5(GFAP):c.718A>C (p.Thr240Pro)

Gene: GFAP (glial fibrillary acidic protein; minus strand). Cytogenetic location: 17q21.31.
Variant type: single nucleotide variant.
Coding change: c.718A>C on transcript NM_002055.5 (MANE Select); coding-DNA position 718, A replaced by C.
Protein change: p.Thr240Pro; replaces threonine 240 with proline.
Molecular consequence: missense variant.
Genome position (GRCh38, 1-based): chr17:44,913,331, T>G on the plus strand (A>C on the coding strand, the complement: GFAP is on the minus strand). VCF-style: chr17-44913331-T-G. GRCh37 (hg19) VCF-style: chr17-42990699-T-G.
Other names: c.718A>C, p.Thr240Pro (NM_001131019.3, NM_001242376.3, NM_001363846.2); short protein forms T240P.
Identifiers: ClinVar variation 1482058 (VCV001482058.6), dbSNP rs2145637339, ClinGen allele CA399845704.

ClinVar aggregate classification (germline): Uncertain significance (1 of 4 stars; one submission).

Submission:

Labcorp Genetics (formerly Invitae), Labcorp
Classification: Uncertain significance. Last evaluated: 2021-10-15. Review status: criteria provided, single submitter. Criteria: Invitae Variant Classification Sherloc (09022015). Collection method: clinical testing. Allele origin: germline.
Comment: This variant has not been reported in the literature in individuals affected with GFAP-related conditions. This variant is not present in population databases (ExAC no frequency). In summary, the available evidence is currently insufficient to determine the role of this variant in disease. Therefore, it has been classified as a Variant of Uncertain Significance. Algorithms developed to predict the effect of missense changes on protein structure and function are either unavailable or do not agree on the potential impact of this missense change (SIFT: "Deleterious"; PolyPhen-2: "Possibly Damaging"; Align-GVGD: "Class C0"). This sequence change replaces threonine with proline at codon 240 of the GFAP protein (p.Thr240Pro). The threonine residue is highly conserved and there is a small physicochemical difference between threonine and proline.